The following is an entry in ClinVar:

NM_000038.6(APC):c.2806_2813dup (p.Lys939fs)

Gene: APC (APC regulator of Wnt signaling pathway; plus strand). Cytogenetic location: 5q22.2.
Variant type: Duplication.
Coding change: c.2806_2813dup on transcript NM_000038.6 (MANE Select); coding-DNA positions 2806 to 2813, 8 bases duplicated (AATTTCAC; older notation c.2806_2813dupAATTTCAC).
Protein change: p.Lys939fs; shifts the reading frame from lysine 939.
Molecular consequence: frameshift variant.
Genome position (GRCh38, 1-based): chr5:112,838,400-112,838,407, AATTTCAC duplicated; duplicating any 8 consecutive bases within chr5:112,838,398-112,838,407 gives the same sequence; the c. name uses the placement nearest the transcript's 3' end. VCF-style (leftmost placement, unchanged base first): chr5-112838397-T-TACAATTTC. GRCh37 (hg19) VCF-style: chr5-112174094-T-TACAATTTC.
Other names: c.2806_2813dup, p.Lys939fs (NM_001127510.3, NM_001354895.2); c.2752_2759dup, p.Lys921fs (NM_001127511.3); c.2860_2867dup, p.Lys957fs (NM_001354896.2); c.2836_2843dup, p.Lys949fs (NM_001354897.2); c.2731_2738dup, p.Lys914fs (NM_001354898.2); c.2722_2729dup, p.Lys911fs (NM_001354899.2); c.2683_2690dup, p.Lys898fs (NM_001354900.2); c.2629_2636dup, p.Lys880fs (NM_001354901.2); and 5 more; short protein forms K656fs, K813fs, K880fs, K898fs, K911fs, K921fs, K957fs, K779fs.
Identifiers: ClinVar variation 217955 (VCV000217955.7), dbSNP rs863225333, ClinGen allele CA279797.

ClinVar aggregate classification (germline): Pathogenic. Review status: criteria provided, single submitter (1 of 4 stars). 2 submissions from 2 submitters: Pathogenic (1). 1 of the submissions does not count toward it. Last evaluated 2023-05-05.

Conditions:
Familial adenomatous polyposis 1 (FAP1). Also called: FAMILIAL ADENOMATOUS POLYPOSIS 1, ATTENUATED; POLYPOSIS, ADENOMATOUS INTESTINAL. Identifiers: MedGen C2713442, MONDO:0021056, OMIM 175100. Disease mechanism: loss of function.

Submissions (2):

Myriad Genetics, Inc.
Classification: Pathogenic for Familial adenomatous polyposis 1. Last evaluated: 2023-05-05. Review status: criteria provided, single submitter. Criteria: Myriad Autosomal Dominant, Autosomal Recessive and X-Linked Classification Criteria (2023). Collection method: clinical testing. Allele origin: unknown.
Comment: This variant is considered pathogenic. This variant creates a frameshift predicted to result in premature protein truncation.

Mayo Clinic Laboratories, Mayo Clinic
Classification: Pathogenic. Review status: no assertion criteria provided. Collection method: research. Allele origin: unknown. Observed: 1 variant allele. Not counted in ClinVar's aggregate classification.